The following is an entry in ClinVar:

ClinVar aggregate classification (germline): Likely pathogenic. Review status: criteria provided, single submitter (1 of 4 stars). 2 submissions from 1 submitter: Likely pathogenic (2). Last evaluated 2017-05-23.

Conditions:
Dilated cardiomyopathy 1G (CMD1G). Identifiers: Orphanet 154, MedGen C1858763, MONDO:0011400, OMIM 604145.
Autosomal recessive limb-girdle muscular dystrophy type 2J (LGMDR10). Also called: Limb-girdle muscular dystrophy, type 2J; MUSCULAR DYSTROPHY, LIMB-GIRDLE, AUTOSOMAL RECESSIVE 10. Identifiers: Orphanet 140922, MedGen C1837342, MONDO:0012127, OMIM 608807.

Submissions (2):

Labcorp Genetics (formerly Invitae), Labcorp
Classification: Likely pathogenic for Dilated cardiomyopathy 1G. Last evaluated: 2017-05-23. Review status: criteria provided, single submitter. Criteria: Invitae Variant Classification Sherloc (09022015). Collection method: clinical testing. Allele origin: germline.
Comment: This sequence change inserts 4 nucleotide in exon 326 of the TTN mRNA (c.81100_81103dupATAA), causing a frameshift at codon 27035. This creates a premature translational stop signal (p.Thr27035Asnfs*13) and is expected to result in an absent or disrupted protein product. This variant is found in the A-band of this gene. While this particular variant has not been reported in the literature, truncating variants in the A-band of TTN are significantly overrepresented in patients with dilated cardiomyopathy and are considered to be likely pathogenic for the disease (PMID: 25589632). For these reasons, this variant has been classified as Likely Pathogenic.

Labcorp Genetics (formerly Invitae), Labcorp
Classification: Likely pathogenic for Dilated cardiomyopathy 1G; Autosomal recessive limb-girdle muscular dystrophy type 2J. Last evaluated: 2017-05-11. Review status: criteria provided, single submitter. Criteria: Invitae Variant Classification Sherloc (09022015). Collection method: clinical testing. Allele origin: germline.
Comment: the same text as in the submission from Labcorp Genetics (formerly Invitae), Labcorp above.

Literature cited by the submitters: PubMed 25589632.

NM_001267550.2(TTN):c.81100_81103dup (p.Thr27035fs)

Genes: TTN (titin; minus strand), TTN-AS1 (TTN antisense RNA 1; plus strand). Cytogenetic location: 2q31.2.
Variant type: Duplication.
Coding change: c.81100_81103dup on transcript NM_001267550.2 (MANE Select); coding-DNA positions 81100 to 81103, 4 bases duplicated (ATAA; older notation c.81100_81103dupATAA).
Protein change: p.Thr27035fs; shifts the reading frame from threonine 27035.
Molecular consequence: frameshift variant.
Genome position (GRCh38, 1-based): chr2:178,565,029-178,565,032, TTAT duplicated on the plus strand (ATAA on the coding strand, the reverse complement: TTN is on the minus strand); duplicating any 4 consecutive bases within chr2:178,565,029-178,565,034 gives the same sequence; the c. name uses the placement nearest the transcript's 3' end. VCF-style (leftmost placement, unchanged base first): chr2-178565028-G-GTTAT. GRCh37 (hg19) VCF-style: chr2-179429755-G-GTTAT.
Other names: c.81100_81103dupATAA (NM_001267550.2); c.76177_76180dup, p.Thr25394fs (NM_001256850.1); c.53905_53908dup, p.Thr17970fs (NM_003319.4); c.73396_73399dup, p.Thr24467fs (NM_133378.4); c.54280_54283dup, p.Thr18095fs (NM_133432.3); c.54481_54484dup, p.Thr18162fs (NM_133437.4); short protein forms T27035fs, T25394fs, T17970fs, T18162fs, T18095fs, T24467fs.
Identifiers: ClinVar variation 405186 (VCV000405186.8), dbSNP rs1060500593, ClinGen allele CA16610345.
Genomic context (GRCh38, chr2:178,565,028, plus strand): 5'-TTTCCATACCTGTTTTCAGCAAAAATTCTAAACTGGTACTCCGTGCCTGTTTTCAGTTTG[G>GTTAT]TTATTTTAATTGTTGTTCTTGCAACTGTTGCTGATACCATGTGCCAAGTGGTGGTGGTTG-3'